The following is an entry in ClinVar:

NM_001009996.3(DALRD3):c.159C>T (p.Asp53=)

Gene: DALRD3 (DALR anticodon binding domain containing 3; minus strand). Cytogenetic location: 3p21.31.
Variant type: single nucleotide variant.
Coding change: c.159C>T on transcript NM_001009996.3 (MANE Select); coding-DNA position 159, C replaced by T.
Protein change: p.Asp53=; no amino-acid change (aspartic acid 53 retained).
Molecular consequence: synonymous variant. On other transcripts: intron variant (1).
Genome position (GRCh38, 1-based): chr3:49,018,406, G>A on the plus strand (C>T on the coding strand, the complement: DALRD3 is on the minus strand). VCF-style: chr3-49018406-G-A. GRCh37 (hg19) VCF-style: chr3-49055839-G-A.
Other names: c.-336-88C>T (NM_018114.6); c.159C>T, p.Asp53= (NM_001276405.2).
Identifiers: ClinVar variation 5038457 (VCV005038457.1).

ClinVar aggregate classification (germline): Likely benign (1 of 4 stars; one submission).

Submission:

CeGaT Center for Human Genetics Tuebingen
Classification: Likely benign. Last evaluated: 2026-06-01. Review status: criteria provided, single submitter. Criteria: CeGaT Center For Human Genetics Tuebingen Variant Classification Criteria Version 2. Collection method: clinical testing. Allele origin: germline. Affected: yes. Observed: 1 variant allele.
Comment: DALRD3: BP4, BP7